The following is an entry in ClinVar:

NM_182961.4(SYNE1):c.15767C>T (p.Thr5256Met)

Gene: SYNE1 (spectrin repeat containing nuclear envelope protein 1; minus strand). Cytogenetic location: 6q25.2.
Variant type: single nucleotide variant.
Coding change: c.15767C>T on transcript NM_182961.4 (MANE Select); coding-DNA position 15767, C replaced by T.
Protein change: p.Thr5256Met; replaces threonine 5256 with methionine.
Molecular consequence: missense variant.
Genome position (GRCh38, 1-based): chr6:152,323,628, G>A on the plus strand (C>T on the coding strand, the complement: SYNE1 is on the minus strand). VCF-style: chr6-152323628-G-A. GRCh37 (hg19) VCF-style: chr6-152644763-G-A.
Other names: c.15554C>T, p.Thr5185Met (NM_033071.5); short protein forms T5185M, T5256M.
Identifiers: ClinVar variation 2118922 (VCV002118922.5), dbSNP rs1379759625, ClinGen allele CA366090130.

ClinVar aggregate classification (germline): Uncertain significance. Review status: criteria provided, multiple submitters, no conflicts (2 of 4 stars). 2 submissions from 2 submitters: Uncertain significance (2). Last evaluated 2026-01-19.

Conditions:
Emery-Dreifuss muscular dystrophy 4, autosomal dominant (EDMD4). Also called: EMERY-DREIFUSS MUSCULAR DYSTROPHY 4 WITH VARIABLE FEATURES. Identifiers: Orphanet 261, MedGen C2751807, MONDO:0013071, OMIM 612998.
Autosomal recessive ataxia, Beauce type. Also called: SYNE1 Deficiency; Spinocerebellar ataxia, autosomal recessive 8; ATAXIA, RECESSIVE, OF BEAUCE; SYNE1-Related Autosomal Recessive Cerebellar Ataxia. Identifiers: Orphanet 88644, MedGen C1853116, MONDO:0012549, OMIM 610743.

Allele frequency attached by ClinVar (database versions not stated): TOPMed below 0.00001.
gnomAD v4.1: 6 of 1,614,206 alleles (0.00037%); highest among the groups gnomAD compares: East Asian, 0.0022%; no homozygotes.

Submissions (2):

Labcorp Genetics (formerly Invitae), Labcorp
Classification: Uncertain significance for Emery-Dreifuss muscular dystrophy 4, autosomal dominant; Autosomal recessive ataxia, Beauce type. Last evaluated: 2026-01-19. Review status: criteria provided, single submitter. Criteria: Invitae Variant Classification Sherloc (09022015). Collection method: clinical testing. Allele origin: germline.
Comment: This sequence change replaces threonine, which is neutral and polar, with methionine, which is neutral and non-polar, at codon 5185 of the SYNE1 protein (p.Thr5185Met). This variant is present in population databases (no rsID available, gnomAD 0.003%). This variant has not been reported in the literature in individuals affected with SYNE1-related conditions. ClinVar contains an entry for this variant (Variation ID: 2118922). An algorithm developed to predict the effect of missense changes on protein structure and function (PolyPhen-2) suggests that this variant is likely to be disruptive. In summary, the available evidence is currently insufficient to determine the role of this variant in disease. Therefore, it has been classified as a Variant of Uncertain Significance.

Revvity Omics, Revvity
Classification: Uncertain significance. Last evaluated: 2024-02-16. Review status: criteria provided, single submitter. Criteria: ACMG Guidelines, 2015. Collection method: clinical testing. Allele origin: germline.